The following is an entry in ClinVar:

NM_001110556.2(FLNA):c.5972C>T (p.Ser1991Leu)

Gene: FLNA (filamin A; minus strand). Cytogenetic location: Xq28.
Variant type: single nucleotide variant.
Coding change: c.5972C>T on transcript NM_001110556.2 (MANE Select); coding-DNA position 5972, C replaced by T.
Protein change: p.Ser1991Leu; replaces serine 1991 with leucine.
Molecular consequence: missense variant.
Genome position (GRCh38, 1-based): chrX:154,353,346, G>A on the plus strand (C>T on the coding strand, the complement: FLNA is on the minus strand). VCF-style: chrX-154353346-G-A. GRCh37 (hg19) VCF-style: chrX-153581714-G-A.
Other names: p.S1983L:TCG>TTG; c.5948C>T, p.Ser1983Leu (NM_001456.4); short protein forms S1991L.
Identifiers: ClinVar variation 93767 (VCV000093767.51), dbSNP rs187029309, ClinGen allele CA285492.

ClinVar aggregate classification (germline): Benign/Likely benign. Review status: criteria provided, multiple submitters, no conflicts (2 of 4 stars). 21 submissions from 21 submitters: Benign (7); Likely benign (8). 6 of the submissions do not count toward it. Last evaluated 2026-02-01.

Conditions:
Heterotopia, periventricular, X-linked dominant (PVNH1). Also called: PERIVENTRICULAR NODULAR HETEROTOPIA 1; X-linked periventricular heterotopia; PERIVENTRICULAR NODULAR HETEROTOPIA 4; HETEROTOPIA, PERIVENTRICULAR, 1. Identifiers: Orphanet 2149, Orphanet 82004, MedGen C1848213, MONDO:0010233, OMIM 300049.
Frontometaphyseal dysplasia (FMD1). Identifiers: Orphanet 1826, MedGen C0265293, MONDO:0015942.
Melnick-Needles syndrome (MNS). Also called: Melnick-Needles Syndrome (FLNA-MNS); MELNICK-NEEDLES OSTEODYSPLASTY; OSTEODYSPLASTY OF MELNICK AND NEEDLES. Identifiers: Orphanet 2484, MedGen C0025237, MONDO:0010650, OMIM 309350.
Oto-palato-digital syndrome, type II (OPD2). Also called: Otopalatodigital Syndrome Type 2 (FLNA-OPD2); OPD II SYNDROME; Otopalatodigital Syndrome, Type II; FACIOPALATOOSSEOUS SYNDROME. Identifiers: Orphanet 669, Orphanet 90652, MedGen C1844696, MONDO:0010571, OMIM 304120.
Connective tissue disorder. Also called: Connective tissue disease. Identifiers: MedGen C0009782, MONDO:0003900.
FG syndrome 2 (FGS2). Identifiers: MedGen C1845902, MONDO:0010297, OMIM 300321.
Cardiac valvular dysplasia, X-linked (CVDPX). Also called: Congenital valvular dysplasia; FLNA-Related X-linked Cardiac Valvular Dysplasia; MYXOMATOUS VALVULAR DYSTROPHY, X-LINKED; VALVULAR HEART DISEASE, CONGENITAL; Isolated X-Linked Cardiac Valvular Dysplasia. Identifiers: Orphanet 1864, Orphanet 555877, Orphanet 75497, MedGen C0262436, MONDO:0010753, OMIM 314400.
Intestinal pseudoobstruction, neuronal, chronic idiopathic, X-linked (CIIPX). Also called: INTESTINAL PSEUDOOBSTRUCTION, NEURONAL, CHRONIC IDIOPATHIC, WITH CENTRAL NERVOUS SYSTEM INVOLVEMENT; CONGENITAL IDIOPATHIC INTESTINAL PSEUDOOBSTRUCTION; FLNA-Related Periventricular Nodular Heterotopia (FLNA-Related PVNH; Huttenlocher Syndrome). Identifiers: Orphanet 2301, MedGen C2746068, MONDO:0010232, OMIM 300048.
Terminal osseous dysplasia-pigmentary defects syndrome. Also called: Terminal Osseous Dysplasia (FLNA-TOD); ODPF SYNDROME; OSSEOUS DYSPLASIA, DIGITAL, WITH FACIAL PIGMENTARY DEFECTS AND MULTIPLE FRENULA; ODPD; TERMINAL OSSEOUS DYSPLASIA AND PIGMENTARY DEFECTS. Identifiers: Orphanet 88630, MedGen C1846129, MONDO:0010279, OMIM 300244.
Oto-palato-digital syndrome, type I (OPD1). Also called: Otopalatodigital Syndrome Type 1 (FLNA-OPD1); OPD I SYNDROME; OPD SYNDROME 1; Taybi syndrome; Otopalatodigital Syndrome, Type I. Identifiers: Orphanet 669, Orphanet 90650, MedGen C0265251, MONDO:0010704, OMIM 311300.
Frontometaphyseal dysplasia 1 (FMD1). Also called: Frontometaphyseal Dysplasia (FLNA-FMD). Identifiers: Orphanet 1826, MedGen C4281559, MONDO:0024550, OMIM 305620.
Familial thoracic aortic aneurysm and aortic dissection (TAAD). Also called: Thoracic aortic aneurysms and dissections. Identifiers: Orphanet 91387, MedGen C4707243, MONDO:0019625.
Abnormal bleeding. Also called: Bleeding diathesis. Identifiers: MedGen C1458140, HP:0001892.
Thrombocytopenia. Identifiers: MedGen C0040034, MeSH D013921, MONDO:0002049, HP:0001873.

Allele frequency attached by ClinVar (database versions not stated): 1000 Genomes Project 0.00185; 1000 Genomes Project 30x 0.00208; gnomAD 0.00227 and 0.00225; TOPMed 0.00216; gnomAD exomes 0.00242 and 0.00396; ExAC 0.00255; ESP Exome Variant Server 0.00248.
gnomAD v4.1: 4,537 of 1,210,765 alleles (0.37%); highest among the groups gnomAD compares: Non-Finnish European, 0.46%; 8 homozygotes.

Submissions (21):

Labcorp Genetics (formerly Invitae), Labcorp
Classification: Benign for Oto-palato-digital syndrome, type II; Heterotopia, periventricular, X-linked dominant; Frontometaphyseal dysplasia; Melnick-Needles syndrome. Last evaluated: 2026-02-01. Review status: criteria provided, single submitter. Criteria: Invitae Variant Classification Sherloc (09022015). Collection method: clinical testing. Allele origin: germline.

Molecular Diagnostic Laboratory for Inherited Cardiovascular Disease, Montreal Heart Institute
Classification: Likely benign. Last evaluated: 2025-04-09. Review status: criteria provided, single submitter. Criteria: ACMG Guidelines, 2015. Collection method: clinical testing. Allele origin: germline. Affected: no.
Comment: BS1;BP6

ARUP Laboratories, Molecular Genetics and Genomics, ARUP Laboratories
Classification: Benign. Last evaluated: 2025-04-07. Review status: criteria provided, single submitter. Criteria: ARUP Molecular Germline Variant Investigation Process 2024. Collection method: clinical testing. Allele origin: germline.

Blueprint Genetics
Classification: Likely benign. Last evaluated: 2024-11-28. Review status: criteria provided, single submitter. Criteria: ACMG Guidelines, 2015. Collection method: clinical testing. Allele origin: germline.

Women's Health and Genetics/Laboratory Corporation of America, LabCorp
Classification: Likely benign. Last evaluated: 2024-02-26. Review status: criteria provided, single submitter. Criteria: LabCorp Variant Classification Summary - May 2015. Collection method: clinical testing. Allele origin: germline.

Mayo Clinic Laboratories, Mayo Clinic
Classification: Likely benign. Last evaluated: 2023-12-05. Review status: criteria provided, single submitter. Criteria: ACMG Guidelines, 2015. Collection method: clinical testing. Allele origin: germline. Observed: 57 variant alleles.
Comment: BS2, BP6

Fulgent Genetics
Classification: Likely benign for Intestinal pseudoobstruction, neuronal, chronic idiopathic, X-linked; Heterotopia, periventricular, X-linked dominant; Terminal osseous dysplasia-pigmentary defects syndrome; FG syndrome 2; Oto-palato-digital syndrome, type II; Frontometaphyseal dysplasia 1; Melnick-Needles syndrome; Oto-palato-digital syndrome, type I; Cardiac valvular dysplasia, X-linked. Last evaluated: 2022-01-07. Review status: criteria provided, single submitter. Criteria: ACMG Guidelines, 2015. Collection method: clinical testing. Allele origin: unknown.

Center for Pediatric Genomic Medicine, Children's Mercy Hospital and Clinics
Classification: Likely benign. Last evaluated: 2017-03-06. Review status: criteria provided, single submitter. Criteria: ACMG Guidelines, 2015. Collection method: clinical testing. Allele origin: germline.

Athena Diagnostics
Classification: Benign. Last evaluated: 2017-01-27. Review status: criteria provided, single submitter. Criteria: Athena Diagnostics Criteria. Collection method: clinical testing. Allele origin: germline.

Center for Human Genetics, Inc
Classification: Likely benign for Connective tissue disorder. Last evaluated: 2016-11-01. Review status: criteria provided, single submitter. Criteria: ACMG Guidelines, 2015. Collection method: clinical testing. Allele origin: germline. Affected: yes.

GeneDx
Classification: Benign. Last evaluated: 2016-05-09. Review status: criteria provided, single submitter. Criteria: GeneDx Variant Classification (06012015). Collection method: clinical testing. Allele origin: germline. Affected: yes.
Comment: This variant is considered likely benign or benign based on one or more of the following criteria: it is a conservative change, it occurs at a poorly conserved position in the protein, it is predicted to be benign by multiple in silico algorithms, and/or has population frequency not consistent with disease.

Ambry Genetics
Classification: Benign for Familial thoracic aortic aneurysm and aortic dissection. Last evaluated: 2015-10-23. Review status: criteria provided, single submitter. Criteria: Ambry Variant Classification Scheme 2023. Collection method: clinical testing. Allele origin: germline.

Genetic Services Laboratory, University of Chicago
Classification: Benign. Last evaluated: 2015-02-10. Review status: criteria provided, single submitter. Criteria: ACMG Guidelines, 2015. Collection method: clinical testing. Allele origin: germline.

Eurofins Ntd Llc (ga)
Classification: Benign. Last evaluated: 2013-07-31. Review status: criteria provided, single submitter. Criteria: EGL Classification Definitions 2015. Collection method: clinical testing. Allele origin: germline. Observed: 1 variant allele, 1 homozygote.

Center for Genomics, Ann and Robert H. Lurie Children's Hospital of Chicago
Classification: Likely benign for Oto-palato-digital syndrome, type II; Intestinal pseudoobstruction, neuronal, chronic idiopathic, X-linked; Cardiac valvular dysplasia, X-linked; FG syndrome 2; Melnick-Needles syndrome; Terminal osseous dysplasia-pigmentary defects syndrome; Oto-palato-digital syndrome, type I; Heterotopia, periventricular, X-linked dominant; Frontometaphyseal dysplasia 1. Review status: criteria provided, single submitter. Criteria: ACMG Guidelines, 2015. Collection method: clinical testing. Allele origin: germline.
Comment: This variant has not been reported in the literature but is present in the Genome Aggregation Database (Highest reported MAF 0.3% (187/53291) including 1 homozygote and 43 hemizygotes. This variant is present in ClinVar, with several labs classifying this variant as Likely Benign or Benign (Variation ID:93767). Evolutionary conservation and computational predictive tools suggest that this variant may impact the protein. In summary, data on this variant suggests that this variant does not cause disease but requires further evidence. Therefore, this variant is classified as likely benign.

Birmingham Platelet Group; University of Birmingham
Classification: Likely benign for Thrombocytopenia; Abnormal bleeding. Last evaluated: 2020-05-01. Review status: no assertion criteria provided. Collection method: research. Allele origin: germline. Affected: yes. Not counted in ClinVar's aggregate classification.

Clinical Genetics DNA and cytogenetics Diagnostics Lab, Erasmus MC, Erasmus Medical Center
Classification: Benign. Review status: no assertion criteria provided. Collection method: clinical testing. Allele origin: germline. Affected: yes. Study: VKGL Data-share Consensus. Not counted in ClinVar's aggregate classification.

Diagnostic Laboratory, Department of Genetics, University Medical Center Groningen
Classification: Benign. Review status: no assertion criteria provided. Collection method: clinical testing. Allele origin: germline. Affected: yes. Study: VKGL Data-share Consensus. Not counted in ClinVar's aggregate classification.

Genome Diagnostics Laboratory, Amsterdam University Medical Center
Classification: Likely benign. Review status: no assertion criteria provided. Collection method: clinical testing. Allele origin: germline. Affected: yes. Study: VKGL Data-share Consensus. Not counted in ClinVar's aggregate classification.

Genome Diagnostics Laboratory, University Medical Center Utrecht
Classification: Likely benign. Review status: no assertion criteria provided. Collection method: clinical testing. Allele origin: germline. Affected: yes. Study: VKGL Data-share Consensus. Not counted in ClinVar's aggregate classification.

Laboratory of Diagnostic Genome Analysis, Leiden University Medical Center (LUMC)
Classification: Likely benign. Review status: no assertion criteria provided. Collection method: clinical testing. Allele origin: germline. Affected: yes. Study: VKGL Data-share Consensus. Not counted in ClinVar's aggregate classification.